The following is an entry in ClinVar:

NM_002907.4(RECQL):c.701-4del

Gene: RECQL (RecQ like helicase; minus strand). Cytogenetic location: 12p12.1.
Variant type: Deletion.
Coding change: c.701-4del on transcript NM_002907.4 (MANE Select); 4 bases into the intron before coding-DNA position 701, one base deleted (T; older notation c.701-4delT).
Molecular consequence: intron variant.
Genome position (GRCh38, 1-based): chr12:21,477,973, A deleted on the plus strand (T on the coding strand, the reverse complement: RECQL is on the minus strand); the first of 6 consecutive A bases (chr12:21,477,973-21,477,978); deleting any one gives the same sequence. VCF-style (leftmost placement, unchanged base first): chr12-21477972-GA-G. GRCh37 (hg19) VCF-style: chr12-21630906-GA-G.
Other names: c.701-4del (NM_032941.3).
Identifiers: ClinVar variation 682176 (VCV000682176.13), dbSNP rs1424768811, ClinGen allele CA603967597.

ClinVar aggregate classification (germline): Benign/Likely benign. Review status: criteria provided, multiple submitters, no conflicts (2 of 4 stars). 2 submissions from 2 submitters: Benign (1); Likely benign (1). Last evaluated 2024-10-15.

Submissions (2):

Labcorp Genetics (formerly Invitae), Labcorp
Classification: Benign. Last evaluated: 2024-10-15. Review status: criteria provided, single submitter. Criteria: Invitae Variant Classification Sherloc (09022015). Collection method: clinical testing. Allele origin: germline.

GeneDx
Classification: Likely benign. Last evaluated: 2023-10-31. Review status: criteria provided, single submitter. Criteria: GeneDx Variant Classification Process June 2021. Collection method: clinical testing. Allele origin: germline. Affected: yes.
Comment: See Variant Classification Assertion Criteria.